The following is an entry in ClinVar:

NM_001382391.1(CSPP1):c.632G>T (p.Arg211Leu)

Gene: CSPP1 (centrosome and spindle pole associated protein 1; plus strand). Cytogenetic location: 8q13.1.
Variant type: single nucleotide variant.
Coding change: c.632G>T on transcript NM_001382391.1 (MANE Select); coding-DNA position 632, G replaced by T.
Protein change: p.Arg211Leu; replaces arginine 211 with leucine.
Molecular consequence: missense variant. On other transcripts: 5 prime UTR variant (1).
Genome position (GRCh38, 1-based): chr8:67,095,441, G>T. VCF-style: chr8-67095441-G-T. GRCh37 (hg19) VCF-style: chr8-68007676-G-T.
Other names: c.-224G>T (NM_001291339.2); c.551G>T, p.Arg184Leu (NM_001363131.2, NM_001363133.2); c.632G>T, p.Arg211Leu (NM_001363132.2); c.740G>T, p.Arg247Leu (NM_001364869.1); c.659G>T, p.Arg220Leu (NM_001364870.1, NM_024790.7); short protein forms R211L, R220L, R184L, R247L.
Identifiers: ClinVar variation 707531 (VCV000707531.18), dbSNP rs193231165, ClinGen allele CA4770325.

ClinVar aggregate classification (germline): Likely benign. Review status: criteria provided, multiple submitters, no conflicts (2 of 4 stars). 5 submissions from 5 submitters: Likely benign (4). 1 of the submissions does not count toward it. Last evaluated 2026-01-23.

Conditions:
CSPP1-related disorder. Also called: CSPP1-related condition.
Joubert syndrome 21 (JBTS21). Identifiers: MedGen C3810212, MONDO:0014288, OMIM 615636.

Allele frequency attached by ClinVar (database versions not stated): 1000 Genomes Project 0.00080; 1000 Genomes Project 30x 0.00094; gnomAD 0.00156; TOPMed 0.00186; ESP Exome Variant Server 0.00194.
gnomAD v4.1: 458 of 1,613,322 alleles (0.028%); highest among the groups gnomAD compares: African/African-American, 0.55%; 1 homozygote.

Submissions (5):

Labcorp Genetics (formerly Invitae), Labcorp
Classification: Likely benign for Joubert syndrome 21. Last evaluated: 2026-01-23. Review status: criteria provided, single submitter. Criteria: Invitae Variant Classification Sherloc (09022015). Collection method: clinical testing. Allele origin: germline.

Blueprint Genetics
Classification: Likely benign. Last evaluated: 2023-09-14. Review status: criteria provided, single submitter. Criteria: ACMG Guidelines, 2015. Collection method: clinical testing. Allele origin: germline.

GeneDx
Classification: Likely benign. Last evaluated: 2021-12-20. Review status: criteria provided, single submitter. Criteria: GeneDx Variant Classification Process June 2021. Collection method: clinical testing. Allele origin: germline. Affected: yes.
Comment: In silico analysis, which includes protein predictors and evolutionary conservation, supports a deleterious effect; Has not been previously published as pathogenic or benign to our knowledge

Breakthrough Genomics
Classification: Likely benign. Review status: criteria provided, single submitter. Criteria: ACMG Guidelines, 2015. Collection method: not provided. Allele origin: germline. Inheritance: Autosomal recessive inheritance. Affected: yes.

PreventionGenetics, part of Exact Sciences
Classification: Likely benign for CSPP1-related condition. Last evaluated: 2019-05-08. Review status: no assertion criteria provided. Collection method: clinical testing. Allele origin: germline. Not counted in ClinVar's aggregate classification.
Comment: This variant is classified as likely benign based on ACMG/AMP sequence variant interpretation guidelines (Richards et al. 2015 PMID: 25741868, with internal and published modifications).